The following is an entry in ClinVar:

ClinVar aggregate classification (germline): Uncertain significance (1 of 4 stars; one submission).

Conditions:
Congenital glucose-galactose malabsorption (GGM). Also called: DIARRHEA 16; MONOSACCHARIDE MALABSORPTION. Identifiers: Orphanet 35710, MedGen C0268186, MONDO:0011731, OMIM 606824.

gnomAD v4.1: 1 of 1,614,220 alleles (0.000062%); highest among the groups gnomAD compares: South Asian, 0.0011%; no homozygotes.

Submission:

Labcorp Genetics (formerly Invitae), Labcorp
Classification: Uncertain significance for Congenital glucose-galactose malabsorption. Last evaluated: 2021-08-23. Review status: criteria provided, single submitter. Criteria: Invitae Variant Classification Sherloc (09022015). Collection method: clinical testing. Allele origin: germline.
Comment: Algorithms developed to predict the effect of missense changes on protein structure and function (SIFT, PolyPhen-2, Align-GVGD) all suggest that this variant is likely to be tolerated. This variant has not been reported in the literature in individuals affected with SLC5A1-related conditions. This variant is not present in population databases (ExAC no frequency). This sequence change replaces threonine with isoleucine at codon 14 of the SLC5A1 protein (p.Thr14Ile). The threonine residue is weakly conserved and there is a moderate physicochemical difference between threonine and isoleucine. In summary, the available evidence is currently insufficient to determine the role of this variant in disease. Therefore, it has been classified as a Variant of Uncertain Significance.

NM_000343.4(SLC5A1):c.41C>T (p.Thr14Ile)

Gene: SLC5A1 (solute carrier family 5 member 1; plus strand). Cytogenetic location: 22q12.3.
Variant type: single nucleotide variant.
Coding change: c.41C>T on transcript NM_000343.4 (MANE Select); coding-DNA position 41, C replaced by T.
Protein change: p.Thr14Ile; replaces threonine 14 with isoleucine.
Molecular consequence: missense variant.
Genome position (GRCh38, 1-based): chr22:32,043,322, C>T. VCF-style: chr22-32043322-C-T. GRCh37 (hg19) VCF-style: chr22-32439309-C-T.
Other names: short protein forms T14I.
Identifiers: ClinVar variation 1389166 (VCV001389166.6), dbSNP rs2149481647, ClinGen allele CA411307607.